The following is an entry in ClinVar:

ClinVar aggregate classification (germline): Uncertain significance (1 of 4 stars; one submission).

Conditions:
RNF170-related disorder. Also called: RNF170-related condition.

gnomAD v4.1: 138 of 1,551,448 alleles (0.0089%); highest among the groups gnomAD compares: Non-Finnish European, 0.011%; no homozygotes.

Submission:

PreventionGenetics, part of Exact Sciences
Classification: Uncertain significance for RNF170-related condition. Last evaluated: 2024-12-31. Review status: criteria provided, single submitter. Criteria: ACMG Guidelines, 2015. Collection method: clinical testing. Allele origin: germline.
Comment: The RNF170 c.551G>A variant is predicted to result in the amino acid substitution p.Arg184His. To our knowledge, this variant has not been reported in the literature. This variant is reported in 0.014% of alleles in individuals of European (Non-Finnish) descent in gnomAD. At this time, the clinical significance of this variant is uncertain due to the absence of conclusive functional and genetic evidence.

NM_001160224.2(RNF170):c.551G>A (p.Arg184His)

Gene: RNF170 (ring finger protein 170; minus strand). Cytogenetic location: 8p11.21.
Variant type: single nucleotide variant.
Coding change: c.551G>A on transcript NM_001160224.2; coding-DNA position 551, G replaced by A.
Protein change: p.Arg184His; replaces arginine 184 with histidine.
Molecular consequence: missense variant.
Genome position (GRCh38, 1-based): chr8:42,850,843, C>T on the plus strand (G>A on the coding strand, the complement: RNF170 is on the minus strand). VCF-style: chr8-42850843-C-T. GRCh37 (hg19) VCF-style: chr8-42705986-C-T.
Other names: short protein forms R184H.
Identifiers: ClinVar variation 4979293 (VCV004979293.1).